The following is an entry in ClinVar:

NM_001042492.3(NF1):c.2978T>A (p.Leu993Ter)

Gene: NF1 (neurofibromin 1; plus strand). Cytogenetic location: 17q11.2.
Variant type: single nucleotide variant.
Coding change: c.2978T>A on transcript NM_001042492.3 (MANE Select); coding-DNA position 2978, T replaced by A.
Protein change: p.Leu993Ter; replaces leucine 993 with a stop codon.
Molecular consequence: nonsense.
Genome position (GRCh38, 1-based): chr17:31,229,962, T>A. VCF-style: chr17-31229962-T-A. GRCh37 (hg19) VCF-style: chr17-29556980-T-A.
Other names: c.2978T>A, p.Leu993Ter (NM_000267.4); short protein forms L993*.
Identifiers: ClinVar variation 1455243 (VCV001455243.7), dbSNP rs1555614460, ClinGen allele CA398986414.

ClinVar aggregate classification (germline): Pathogenic. Review status: criteria provided, multiple submitters, no conflicts (2 of 4 stars). 2 submissions from 2 submitters: Pathogenic (2). Last evaluated 2023-01-19.

Conditions:
Neurofibromatosis, type 1 (NF1). Also called: Neurofibromatosis, type I; VON RECKLINGHAUSEN DISEASE; NEUROFIBROMATOSIS, TYPE I, SOMATIC; Peripheral type neurofibromatosis. Identifiers: Orphanet 636, MedGen C0027831, MONDO:0018975, OMIM 162200. Disease mechanism: loss of function.
Cardiovascular phenotype. Identifiers: MedGen CN230736.
Hereditary cancer-predisposing syndrome. Also called: Hereditary Cancer Syndrome; Hereditary neoplastic syndrome; Tumor predisposition; Neoplastic Syndromes, Hereditary. Identifiers: Orphanet 140162, MedGen C0027672, MeSH D009386, MONDO:0015356.

Submissions (2):

Ambry Genetics
Classification: Pathogenic for Cardiovascular phenotype; Hereditary cancer-predisposing syndrome. Last evaluated: 2023-01-19. Review status: criteria provided, single submitter. Criteria: Ambry Variant Classification Scheme 2023. Collection method: clinical testing. Allele origin: germline.
Comment: The p.L993* pathogenic mutation (also known as c.2978T>A), located in coding exon 22 of the NF1 gene, results from a T to A substitution at nucleotide position 2978. This changes the amino acid from a leucine to a stop codon within coding exon 22. This variant is considered to be rare based on population cohorts in the Genome Aggregation Database (gnomAD). This alteration is expected to result in loss of function by premature protein truncation or nonsense-mediated mRNA decay. As such, this alteration is interpreted as a disease-causing mutation.

Labcorp Genetics (formerly Invitae), Labcorp
Classification: Pathogenic for Neurofibromatosis, type 1. Last evaluated: 2021-04-11. Review status: criteria provided, single submitter. Criteria: Invitae Variant Classification Sherloc (09022015). Collection method: clinical testing. Allele origin: germline.
Comment: This variant has not been reported in the literature in individuals with NF1-related conditions. For these reasons, this variant has been classified as Pathogenic. This variant is not present in population databases (ExAC no frequency). This sequence change creates a premature translational stop signal (p.Leu993*) in the NF1 gene. It is expected to result in an absent or disrupted protein product. Loss-of-function variants in NF1 are known to be pathogenic (PMID: 10712197, 23913538).

Literature cited by the submitters: PubMed 10712197 (cited by Labcorp Genetics (formerly Invitae), Labcorp); PubMed 23913538 (cited by Labcorp Genetics (formerly Invitae), Labcorp).